The following is an entry in ClinVar:

ClinVar aggregate classification (germline): Uncertain significance. Review status: criteria provided, multiple submitters, no conflicts (2 of 4 stars). 2 submissions from 2 submitters: Uncertain significance (2). Last evaluated 2024-12-18.

Allele frequency attached by ClinVar (database versions not stated): gnomAD exomes below 0.00001.
gnomAD v4.1: 1 of 1,567,022 alleles (0.000064%); highest among the groups gnomAD compares: Admixed American, 0.0019%; no homozygotes.

Submissions (2):

ARUP Laboratories, Molecular Genetics and Genomics, ARUP Laboratories
Classification: Uncertain significance. Last evaluated: 2024-12-18. Review status: criteria provided, single submitter. Criteria: ARUP Molecular Germline Variant Investigation Process 2024. Collection method: clinical testing. Allele origin: germline.
Comment: The NOTCH3 c.6169C>T; p.Gln2057Ter variant (rs2145382884), to our knowledge, is not reported in the medical literature but is reported in ClinVar (Variation ID: 1471125). This variant is absent from the Genome Aggregation Database (v2.1.1), indicating it is not a common polymorphism. This variant results in a premature termination codon in the last exon of the NOTCH3 gene. While this may not lead to nonsense-mediated decay, it is expected to create a truncated NOTCH3 protein. While truncating variants are not associated with CADASIL (Rutten 2014), truncating variants in the last exon of NOTCH3 have been described in individuals with lateral meningocele syndrome, although all such variants described have occurred downstream of p.Gln2057Ter (Gripp 2015, Rubadeux 2024). Due to limited information, the clinical significance of the p.Gln2057Ter variant is uncertain at this time. References: Gripp KW et al. Truncating mutations in the last exon of NOTCH3 cause lateral meningocele syndrome. Am J Med Genet A. 2015 Feb;167A(2):271-81. PMID: 25394726. Rubadeux D et al. A Case of Lateral Meningocele Syndrome without Lateral Meningoceles. Mol Syndromol. 2024 Aug;15(4):328-332. PMID: 39119451. Rutten JW et al. Interpretation of NOTCH3 mutations in the diagnosis of CADASIL. Expert Rev Mol Diagn. 2014 Jun;14(5):593-603. PMID: 24844136.

Labcorp Genetics (formerly Invitae), Labcorp
Classification: Uncertain significance. Last evaluated: 2021-10-28. Review status: criteria provided, single submitter. Criteria: Invitae Variant Classification Sherloc (09022015). Collection method: clinical testing. Allele origin: germline.
Comment: In summary, the available evidence is currently insufficient to determine the role of this variant in disease. Therefore, it has been classified as a Variant of Uncertain Significance. Experimental studies and prediction algorithms are not available or were not evaluated, and the functional significance of this variant is currently unknown. This variant has not been reported in the literature in individuals affected with NOTCH3-related conditions. This variant is not present in population databases (gnomAD no frequency). This sequence change creates a premature translational stop signal (p.Gln2057*) in the NOTCH3 gene. While this is not anticipated to result in nonsense mediated decay, it is expected to disrupt the last 265 amino acid(s) of the NOTCH3 protein.

NM_000435.3(NOTCH3):c.6169C>T (p.Gln2057Ter)

Gene: NOTCH3 (notch receptor 3; minus strand). Cytogenetic location: 19p13.12.
Variant type: single nucleotide variant.
Coding change: c.6169C>T on transcript NM_000435.3 (MANE Select); coding-DNA position 6169, C replaced by T.
Protein change: p.Gln2057Ter; replaces glutamine 2057 with a stop codon.
Molecular consequence: nonsense.
Genome position (GRCh38, 1-based): chr19:15,161,459, G>A on the plus strand (C>T on the coding strand, the complement: NOTCH3 is on the minus strand). VCF-style: chr19-15161459-G-A. GRCh37 (hg19) VCF-style: chr19-15272270-G-A.
Other names: short protein forms Q2057*.
Identifiers: ClinVar variation 1471125 (VCV001471125.7), dbSNP rs2145382884, ClinGen allele CA404490118.